The following is an entry in ClinVar:

NC_000002.11:g.(?_202496774)_(202498154_?)del

Gene: TMEM237 (transmembrane protein 237; minus strand). Cytogenetic location: 2q33.1.
Variant type: Deletion.
Identifiers: ClinVar variation 1046526 (VCV001046526.3).

ClinVar aggregate classification (germline): Uncertain significance (1 of 4 stars; one submission).

Conditions:
Joubert syndrome 14 (JBTS14). Identifiers: MedGen C3280766, MONDO:0013745, OMIM 614424.

Submission:

Labcorp Genetics (formerly Invitae), Labcorp
Classification: Uncertain significance for Joubert syndrome 14. Last evaluated: 2023-08-04. Review status: criteria provided, single submitter. Criteria: Invitae Variant Classification Sherloc (09022015). Collection method: clinical testing. Allele origin: germline.
Comment: In summary, the available evidence is currently insufficient to determine the role of this variant in disease. Therefore, it has been classified as a Variant of Uncertain Significance. Experimental studies and prediction algorithms are not available or were not evaluated, and the functional significance of this variant is currently unknown. This variant has not been reported in the literature in individuals affected with TMEM237-related conditions. This variant is a gross deletion of the genomic region encompassing exon(s) 6-7 of the TMEM237 gene. This variant would be expected to be in-frame, preserving the integrity of the reading frame.